The following is an entry in ClinVar:

NM_006493.4(CLN5):c.1009C>G (p.Pro337Ala)

Gene: CLN5 (CLN5 lysosomal BMP synthase; plus strand). Cytogenetic location: 13q22.3.
Variant type: single nucleotide variant.
Coding change: c.1009C>G on transcript NM_006493.4 (MANE Select); coding-DNA position 1009, C replaced by G.
Protein change: p.Pro337Ala; replaces proline 337 with alanine.
Molecular consequence: missense variant. On other transcripts: 3 prime UTR variant (1).
Genome position (GRCh38, 1-based): chr13:77,000,901, C>G. VCF-style: chr13-77000901-C-G. GRCh37 (hg19) VCF-style: chr13-77575036-C-G.
Other names: c.*458C>G (NM_001366624.2); short protein forms P337A, P386A.
Identifiers: ClinVar variation 2083579 (VCV002083579.1), dbSNP rs1321520247, ClinGen allele CA388314758.

ClinVar aggregate classification (germline): Uncertain significance (1 of 4 stars; one submission).

Conditions:
Neuronal ceroid lipofuscinosis. Also called: Neuronal Ceroid Lipofuscinoses. Identifiers: Orphanet 216, Orphanet 79263, MedGen C0027877, MONDO:0016295. Disease mechanism: loss of function.

Allele frequency attached by ClinVar (database versions not stated): TOPMed below 0.00001; gnomAD 0.00001.
gnomAD v4.1: 1 of 1,592,704 alleles (0.000063%); highest among the groups gnomAD compares: East Asian, 0.0022%; no homozygotes.

Submission:

Labcorp Genetics (formerly Invitae), Labcorp
Classification: Uncertain significance for Neuronal ceroid lipofuscinosis. Last evaluated: 2022-01-15. Review status: criteria provided, single submitter. Criteria: Invitae Variant Classification Sherloc (09022015). Collection method: clinical testing. Allele origin: germline.
Comment: This sequence change replaces proline, which is neutral and non-polar, with alanine, which is neutral and non-polar, at codon 386 of the CLN5 protein (p.Pro386Ala). This variant is not present in population databases (gnomAD no frequency). This variant has not been reported in the literature in individuals affected with CLN5-related conditions. Algorithms developed to predict the effect of missense changes on protein structure and function (SIFT, PolyPhen-2, Align-GVGD) all suggest that this variant is likely to be disruptive. In summary, the available evidence is currently insufficient to determine the role of this variant in disease. Therefore, it has been classified as a Variant of Uncertain Significance.